The following is an entry in ClinVar:

NM_004082.5(DCTN1):c.1414G>A (p.Asp472Asn)

Gene: DCTN1 (dynactin subunit 1; minus strand). Cytogenetic location: 2p13.1.
Variant type: single nucleotide variant.
Coding change: c.1414G>A on transcript NM_004082.5 (MANE Select); coding-DNA position 1414, G replaced by A.
Protein change: p.Asp472Asn; replaces aspartic acid 472 with asparagine.
Molecular consequence: missense variant. On other transcripts: non-coding transcript variant (1).
Genome position (GRCh38, 1-based): chr2:74,369,470, C>T on the plus strand (G>A on the coding strand, the complement: DCTN1 is on the minus strand). VCF-style: chr2-74369470-C-T. GRCh37 (hg19) VCF-style: chr2-74596597-C-T.
Other names: c.1354G>A, p.Asp452Asn (NM_001135040.3); c.1012G>A, p.Asp338Asn (NM_001135041.3, NM_023019.4); c.1303G>A, p.Asp435Asn (NM_001190836.2); c.1393G>A, p.Asp465Asn (NM_001190837.2); c.1363G>A, p.Asp455Asn (NM_001378991.1); c.1345G>A, p.Asp449Asn (NM_001378992.1); short protein forms D338N, D472N, D455N, D465N, D449N, D435N, D452N.
Identifiers: ClinVar variation 2184411 (VCV002184411.4), dbSNP rs1331103919, ClinGen allele CA347359144.
Genomic context (GRCh38, chr2:74,369,470, plus strand): 5'-CCATGTCCAGCTGCTCCCGCAGCTCCAGTTCTGTCTCACGTGCATTCTCCTGCAGCTCAT[C>T]GTTCATCTCATTCATCGCTTCCTAGGACACCACACCATAGTTTGGGCTAAAGAAAGGCAG-3'
Protein context (NP_004073.2, residues 462-482): GDLEAMNEMN[Asp472Asn]ELQENARETE

ClinVar aggregate classification (germline): Uncertain significance (1 of 4 stars; one submission).

Conditions:
Amyotrophic lateral sclerosis type 1 (ALS1). Also called: AMYOTROPHIC LATERAL SCLEROSIS 1, FAMILIAL. Identifiers: Orphanet 803, MedGen C1862939, MONDO:0007103, OMIM 105400.
Perry syndrome. Also called: PARKINSONISM WITH ALVEOLAR HYPOVENTILATION AND MENTAL DEPRESSION. Identifiers: Orphanet 178509, MedGen C1868594, MONDO:0008201, OMIM 168605.
Neuronopathy, distal hereditary motor, type 7B. Also called: NEURONOPATHY, DISTAL HEREDITARY MOTOR, AUTOSOMAL DOMINANT 14; NEURONOPATHY, DISTAL HEREDITARY MOTOR, HARDING TYPE VIIB; NEUROPATHY, DISTAL HEREDITARY MOTOR, HARDING TYPE VIIB; NEUROPATHY, DISTAL HEREDITARY MOTOR, WITH VOCAL CORD PARALYSIS, HARDING TYPE VIIB; Distal Hereditary Motor Neuronopathy Type 7B (dHMN7B); HMN VIIB. Identifiers: Orphanet 139589, MedGen C1843315, MONDO:0011879, OMIM 607641.

Allele frequency attached by ClinVar (database versions not stated): gnomAD exomes below 0.00001; TOPMed 0.00001.
gnomAD v4.1: 5 of 1,613,762 alleles (0.00031%); highest among the groups gnomAD compares: South Asian, 0.0011%; no homozygotes.

Submission:

Labcorp Genetics (formerly Invitae), Labcorp
Classification: Uncertain significance for Amyotrophic lateral sclerosis type 1; Neuronopathy, distal hereditary motor, type 7B; Perry syndrome. Last evaluated: 2025-08-13. Review status: criteria provided, single submitter. Criteria: Invitae Variant Classification Sherloc (09022015). Collection method: clinical testing. Allele origin: germline.
Comment: This sequence change replaces aspartic acid, which is acidic and polar, with asparagine, which is neutral and polar, at codon 472 of the DCTN1 protein (p.Asp472Asn). This variant is present in population databases (no rsID available, gnomAD 0.0009%). This variant has not been reported in the literature in individuals affected with DCTN1-related conditions. ClinVar contains an entry for this variant (Variation ID: 2184411). Invitae Evidence Modeling of protein sequence and biophysical properties (such as structural, functional, and spatial information, amino acid conservation, physicochemical variation, residue mobility, and thermodynamic stability) indicates that this missense variant is not expected to disrupt DCTN1 protein function with a negative predictive value of 95%. In summary, the available evidence is currently insufficient to determine the role of this variant in disease. Therefore, it has been classified as a Variant of Uncertain Significance.